The following is an entry in ClinVar:

ClinVar aggregate classification (germline): Pathogenic (1 of 4 stars; one submission).

Conditions:
Hereditary cancer-predisposing syndrome. Also called: Tumor predisposition; Neoplastic Syndromes, Hereditary; Hereditary neoplastic syndrome; Hereditary Cancer Syndrome. Identifiers: Orphanet 140162, MedGen C0027672, MeSH D009386, MONDO:0015356.

Submission:

Ambry Genetics
Classification: Pathogenic for Hereditary cancer-predisposing syndrome. Last evaluated: 2025-07-04. Review status: criteria provided, single submitter. Criteria: Ambry Variant Classification Scheme 2023. Collection method: clinical testing. Allele origin: germline.
Comment: The c.2385delA pathogenic mutation, located in coding exon 4 of the MSH6 gene, results from a deletion of one nucleotide at nucleotide position 2385, causing a translational frameshift with a predicted alternate stop codon (p.I795Mfs*15). This variant is considered to be rare based on population cohorts in the Genome Aggregation Database (gnomAD). This alteration is expected to result in loss of function by premature protein truncation or nonsense-mediated mRNA decay. As such, this alteration is interpreted as a disease-causing mutation.

NM_000179.3(MSH6):c.2385del (p.Ile795fs)

Gene: MSH6 (mutS homolog 6; plus strand). Cytogenetic location: 2p16.3.
Variant type: Deletion.
Coding change: c.2385del on transcript NM_000179.3 (MANE Select); coding-DNA position 2385, one base deleted (A; older notation c.2385delA).
Protein change: p.Ile795fs; shifts the reading frame from isoleucine 795.
Molecular consequence: frameshift variant. On other transcripts: non-coding transcript variant (5), intron variant (3).
Genome position (GRCh38, 1-based): chr2:47,800,368, A deleted. VCF-style (leftmost placement, unchanged base first): chr2-47800367-TA-T. GRCh37 (hg19) VCF-style: chr2-48027506-TA-T.
Other names: c.1995del, p.Ile665fs (NM_001281492.2); c.1479del, p.Ile493fs (NM_001281493.2, NM_001281494.2, NM_001406811.1 and 6 more transcripts); c.2481del, p.Ile827fs (NM_001406795.1, NM_001406802.1); c.2385del, p.Ile795fs (NM_001406796.1, NM_001406798.1, NM_001406800.1 and 2 more transcripts); c.2088del, p.Ile696fs (NM_001406797.1, NM_001406805.1, NM_001406801.1 and 10 more transcripts); c.1860del, p.Ile620fs (NM_001406799.1, NM_001406806.1, NM_001406807.1); c.2307del, p.Ile769fs (NM_001406804.1); c.2391del, p.Ile797fs (NM_001406813.1); and 4 more; short protein forms I493fs, I696fs, I795fs, I827fs, I620fs, I665fs, I739fs, I769fs.
Identifiers: ClinVar variation 4111193 (VCV004111193.1).